The following is an entry in ClinVar:

ClinVar aggregate classification (germline): Uncertain significance (1 of 4 stars; one submission).

Conditions:
Autosomal dominant nocturnal frontal lobe epilepsy 5. Also called: Epilepsy, nocturnal frontal lobe, 5; KCNT1-Related Epilepsy; CILIARY DYSKINESIA, PRIMARY, 28, WITHOUT SITUS INVERSUS; CILIARY DYSKINESIA, PRIMARY, 28, WITH SITUS INVERSUS. Identifiers: Orphanet 98784, MedGen C3554306, MONDO:0014002, OMIM 615005.
Developmental and epileptic encephalopathy, 14 (DEE14). Also called: Early infantile epileptic encephalopathy 14. Identifiers: Orphanet 293181, MedGen C3554195, MONDO:0013989, OMIM 614959.

gnomAD v4.1: 1 of 1,612,350 alleles (0.000062%); highest among the groups gnomAD compares: Non-Finnish European, 0.000085%; no homozygotes.

Submission:

Labcorp Genetics (formerly Invitae), Labcorp
Classification: Uncertain significance for Autosomal dominant nocturnal frontal lobe epilepsy 5; Developmental and epileptic encephalopathy, 14. Last evaluated: 2020-02-22. Review status: criteria provided, single submitter. Criteria: Invitae Variant Classification Sherloc (09022015). Collection method: clinical testing. Allele origin: germline.
Comment: This sequence change replaces alanine with glycine at codon 583 of the KCNT1 protein (p.Ala583Gly). The alanine residue is highly conserved and there is a small physicochemical difference between alanine and glycine. This variant is not present in population databases (ExAC no frequency). This variant has not been reported in the literature in individuals with KCNT1-related disease. Algorithms developed to predict the effect of missense changes on protein structure and function do not agree on the potential impact of this missense change (SIFT: "Deleterious"; PolyPhen-2: "Benign"; Align-GVGD: "Class C0"). In summary, the available evidence is currently insufficient to determine the role of this variant in disease. Therefore, it has been classified as a Variant of Uncertain Significance.

NM_020822.3(KCNT1):c.1748C>G (p.Ala583Gly)

Gene: KCNT1 (potassium sodium-activated channel subfamily T member 1; plus strand). Cytogenetic location: 9q34.3.
Variant type: single nucleotide variant.
Coding change: c.1748C>G on transcript NM_020822.3 (MANE Select); coding-DNA position 1748, C replaced by G.
Protein change: p.Ala583Gly; replaces alanine 583 with glycine.
Molecular consequence: missense variant.
Genome position (GRCh38, 1-based): chr9:135,770,426, C>G. VCF-style: chr9-135770426-C-G. GRCh37 (hg19) VCF-style: chr9-138662272-C-G.
Other names: c.1613C>G, p.Ala538Gly (NM_001272003.2); short protein forms A583G, A538G.
Identifiers: ClinVar variation 540562 (VCV000540562.9), dbSNP rs1554774904, ClinGen allele CA375506803.